The following is an entry in ClinVar:

ClinVar aggregate classification (germline): Uncertain significance (1 of 4 stars; one submission).

Submission:

Labcorp Genetics (formerly Invitae), Labcorp
Classification: Uncertain significance. Last evaluated: 2022-12-05. Review status: criteria provided, single submitter. Criteria: Invitae Variant Classification Sherloc (09022015). Collection method: clinical testing. Allele origin: germline.
Comment: In summary, the available evidence is currently insufficient to determine the role of this variant in disease. Therefore, it has been classified as a Variant of Uncertain Significance. This sequence change replaces valine, which is neutral and non-polar, with glutamic acid, which is acidic and polar, at codon 32 of the PDE6B protein (p.Val32Glu). This variant is not present in population databases (gnomAD no frequency). This variant has not been reported in the literature in individuals affected with PDE6B-related conditions. Advanced modeling of protein sequence and biophysical properties (such as structural, functional, and spatial information, amino acid conservation, physicochemical variation, residue mobility, and thermodynamic stability) has been performed at Invitae for this missense variant, however the output from this modeling did not meet the statistical confidence thresholds required to predict the impact of this variant on PDE6B protein function.

NM_000283.4(PDE6B):c.95T>A (p.Val32Glu)

Gene: PDE6B (phosphodiesterase 6B; plus strand). Cytogenetic location: 4p16.3.
Variant type: single nucleotide variant.
Coding change: c.95T>A on transcript NM_000283.4 (MANE Select); coding-DNA position 95, T replaced by A.
Protein change: p.Val32Glu; replaces valine 32 with glutamic acid.
Molecular consequence: missense variant.
Genome position (GRCh38, 1-based): chr4:625,721, T>A. VCF-style: chr4-625721-T-A. GRCh37 (hg19) VCF-style: chr4-619510-T-A.
Other names: c.95T>A, p.Val32Glu (NM_001145291.2); short protein forms V32E.
Identifiers: ClinVar variation 3004818 (VCV003004818.3), dbSNP rs2474072610, ClinGen allele CA355906151.